The following is an entry in ClinVar:

NM_015909.4(NBAS):c.886-5T>A

Gene: NBAS (NBAS subunit of NRZ tethering complex; minus strand). Cytogenetic location: 2p24.3.
Variant type: single nucleotide variant.
Coding change: c.886-5T>A on transcript NM_015909.4 (MANE Select); 5 bases into the intron before coding-DNA position 886, T replaced by A.
Molecular consequence: intron variant.
Genome position (GRCh38, 1-based): chr2:15,504,218, A>T on the plus strand (T>A on the coding strand, the complement: NBAS is on the minus strand). VCF-style: chr2-15504218-A-T. GRCh37 (hg19) VCF-style: chr2-15644342-A-T.
Identifiers: ClinVar variation 1699907 (VCV001699907.2), dbSNP rs2148636532, ClinGen allele CA2580063653.
Genomic context (GRCh38, chr2:15,504,218, plus strand): 5'-TGGCGACTGTAAAACTTGACACTTAACATCCTTAATAATCCCAGTGTCTTCGGTACCTGC[A>T]AAATAAATGCATCATATGAAGAAAGATTACTGAAATGACTTATCGTTGTAAAATGTCCCT-3'

ClinVar aggregate classification (germline): Likely pathogenic. Review status: criteria provided, multiple submitters, no conflicts (2 of 4 stars). 2 submissions from 2 submitters: Likely pathogenic (2). Last evaluated 2025-06-18.

Conditions:
Short stature-optic atrophy-Pelger-Huët anomaly syndrome. Also called: Short stature-optic atrophy-Pelger-HuC+t anomaly syndrome; Short stature, optic nerve atrophy, and Pelger-Huet anomaly. Identifiers: Orphanet 391677, MedGen C3541319, MONDO:0013889, OMIM 614800.
Acute infantile liver failure due to synthesis defect of mtDNA-encoded proteins. Also called: LIVER FAILURE, INFANTILE, TRANSIENT; Liver failure acute infantile; TRMU Deficiency. Identifiers: Orphanet 217371, MedGen C3278664, MONDO:0013111, OMIM 613070.

Submissions (2):

Women's Health and Genetics/Laboratory Corporation of America, LabCorp
Classification: Likely pathogenic for Acute infantile liver failure due to synthesis defect of mtDNA-encoded proteins. Last evaluated: 2025-06-18. Review status: criteria provided, single submitter. Criteria: LabCorp Variant Classification Summary - May 2015. Collection method: clinical testing. Allele origin: germline.
Comment: Variant summary: NBAS c.886-5T>A alters a non-conserved nucleotide located at a position not widely known to affect splicing. Several computational tools predict a significant impact on normal splicing: Four predict the variant abolishes or weakens the canonical 3' acceptor site. Two predict the variant creates a 3' acceptor site 3 nucleotides upstream of the canonical 3' acceptor site. At least one publication reports experimental evidence aligned with these predictions, resulting in multiple splicing products including exclusion of exon 11 both with and without 3 retained intronic nucleotides adjacent to the canonical 3' acceptor site, confirmed by cDNA sequencing (e.g. Priglinger_2022). The variant was absent in 251222 control chromosomes. c.886-5T>A has been observed in compound heterozygous individuals affected with cone dystrophy, optic atrophy, and Pelger-Huet anomaly (e.g. Priglinger_2022). These data indicate that the variant may be associated with disease. The following publication has been ascertained in the context of this evaluation (PMID: 36479642). ClinVar contains an entry for this variant (Variation ID: 1699907). Based on the evidence outlined above, the variant was classified as likely pathogenic.

Institute of Medical Genetics and Applied Genomics, University Hospital Tübingen
Classification: Likely pathogenic for Short stature-optic atrophy-Pelger-Huët anomaly syndrome. Last evaluated: 2022-08-04. Review status: criteria provided, single submitter. Criteria: ACMG Guidelines, 2015. Collection method: clinical testing. Allele origin: germline. Inheritance: Autosomal recessive inheritance. Affected: yes.

Literature cited by the submitters: PubMed 36479642 (cited by Women's Health and Genetics/Laboratory Corporation of America, LabCorp).